The following is an entry in ClinVar:

ClinVar aggregate classification (germline): Uncertain significance (0 of 4 stars; one submission).

Conditions:
TMPO-related disorder. Also called: TMPO-related condition.

Allele frequency attached by ClinVar (database versions not stated): gnomAD exomes 0.00002; gnomAD 0.00003; ExAC 0.00005; TOPMed 0.00005; ESP Exome Variant Server 0.00015.
gnomAD v4.1: 34 of 1,613,928 alleles (0.0021%); highest among the groups gnomAD compares: Non-Finnish European, 0.0029%; no homozygotes.

Submission:

PreventionGenetics, part of Exact Sciences
Classification: Uncertain significance for TMPO-related condition. Last evaluated: 2024-01-11. Review status: no assertion criteria provided. Collection method: clinical testing. Allele origin: germline.
Comment: The TMPO c.1297G>A variant is predicted to result in the amino acid substitution p.Ala433Thr. To our knowledge, this variant has not been reported in the literature. This variant is reported in 0.0053% of alleles in individuals of European (Non-Finnish) descent in gnomAD. At this time, the clinical significance of this variant is uncertain due to the absence of conclusive functional and genetic evidence.

NM_001032283.3(TMPO):c.1297G>A (p.Ala433Thr)

Gene: TMPO (thymopoietin; plus strand). Cytogenetic location: 12q23.1.
Variant type: single nucleotide variant.
Coding change: c.1297G>A on transcript NM_001032283.3 (MANE Select); coding-DNA position 1297, G replaced by A.
Protein change: p.Ala433Thr; replaces alanine 433 with threonine.
Molecular consequence: missense variant.
Genome position (GRCh38, 1-based): chr12:98,547,790, G>A. VCF-style: chr12-98547790-G-A. GRCh37 (hg19) VCF-style: chr12-98941568-G-A.
Other names: c.970G>A, p.Ala324Thr (NM_001032284.3); c.1177G>A, p.Ala393Thr (NM_001307975.2); short protein forms A324T, A393T, A433T.
Identifiers: ClinVar variation 3036479 (VCV003036479.2), dbSNP rs368843309, ClinGen allele CA6732743.
Genomic context (GRCh38, chr12:98,547,790, plus strand): 5'-GTATGGATAAAAATTTTGCTGTTTGTTGTTGTGGCAGTTTTTTTGTTTTTGGTCTATCAA[G>A]CTATGGAAACCAACCAAGTAAATCCCTTCTCTAATTTTCTTCATGTTGACCCTAGAAAAT-3'
Protein context (NP_001027454.1, residues 423-443): VAVFLFLVYQ[Ala433Thr]METNQVNPFS